The following is an entry in ClinVar:

NM_020975.6(RET):c.1264-5C>T

Gene: RET (ret proto-oncogene; plus strand). Cytogenetic location: 10q11.21.
Variant type: single nucleotide variant.
Coding change: c.1264-5C>T on transcript NM_020975.6 (MANE Select); 5 bases into the intron before coding-DNA position 1264, C replaced by T.
Molecular consequence: intron variant.
Genome position (GRCh38, 1-based): chr10:43,111,202, C>T. VCF-style: chr10-43111202-C-T. GRCh37 (hg19) VCF-style: chr10-43606650-C-T.
Other names: p.?; c.1264-5C>T (NM_020630.7, NM_001406743.1, NM_001406744.1 and 4 more transcripts); c.868-5C>T (NM_001406772.1, NM_001406769.1); c.826-5C>T (NM_001406773.1, NM_001406771.1); c.626-897C>T (NM_001406782.1, NM_001406780.1, NM_001406779.1 and 3 more transcripts); c.1135-5C>T (NM_001406764.1, NM_001406762.1, NM_001406761.1 and 1 more transcripts); c.739-5C>T (NM_001406774.1); c.497-897C>T (NM_001406786.1, NM_001406783.1); and 6 more.
Identifiers: ClinVar variation 132713 (VCV000132713.52), dbSNP rs9282835, ClinGen allele CA007507.

ClinVar aggregate classification (germline): Benign/Likely benign. Review status: criteria provided, multiple submitters, no conflicts (2 of 4 stars). 29 submissions from 24 submitters: Benign (18); Likely benign (6). 5 of the submissions do not count toward it. Last evaluated 2026-02-04.

Conditions:
Pheochromocytoma. Also called: MAX-Related Hereditary Paraganglioma-Pheochromocytoma Syndrome. Identifiers: Orphanet 29072, MedGen C0031511, MONDO:0008233, OMIM 171300, HP:0002666.
Hirschsprung disease, susceptibility to, 1 (HSCR1). Also called: RET-Related Hirschsprung Disease. Identifiers: Orphanet 388, MedGen C3888239, MONDO:0007723, OMIM 142623.
Familial medullary thyroid carcinoma (MTC). Also called: Thyroid cancer, familial medullary; MTC, familial; Familial Medullary Thyroid Carcinoma (FMTC). Identifiers: Orphanet 653, Orphanet 99361, MedGen C1833921, MONDO:0007958, OMIM 155240.
Multiple endocrine neoplasia type 2B. Also called: MEN IIB; NEUROMATA, MUCOSAL, WITH ENDOCRINE TUMORS; WAGENMANN-FROBOESE SYNDROME; MULTIPLE ENDOCRINE NEOPLASIA, TYPE III; MULTIPLE ENDOCRINE NEOPLASIA, TYPE IIB; MEN 2B. Identifiers: Orphanet 247709, Orphanet 653, MedGen C0025269, MeSH D018814, MONDO:0008082, OMIM 162300.
Multiple endocrine neoplasia type 2A. Also called: Multiple Endocrine Neoplasia Type 2A (MEN2A); MULTIPLE ENDOCRINE NEOPLASIA, TYPE IIA; PTC SYNDROME; SIPPLE SYNDROME; MEN 2A; MEN-2A syndrome. Identifiers: Orphanet 247698, Orphanet 653, MedGen C0025268, MeSH D018813, MONDO:0008234, OMIM 171400.
Multiple endocrine neoplasia. Identifiers: Orphanet 276161, MedGen C0027662, MONDO:0017169.
Hereditary cancer-predisposing syndrome. Also called: Tumor predisposition; Hereditary neoplastic syndrome; Hereditary Cancer Syndrome; Neoplastic Syndromes, Hereditary. Identifiers: Orphanet 140162, MedGen C0027672, MeSH D009386, MONDO:0015356.
Multiple endocrine neoplasia, type 2 (MEN2). Identifiers: Orphanet 653, MedGen C4048306, MONDO:0019003. Disease mechanism: gain of function.
Renal hypodysplasia/aplasia 1 (RHDA1). Also called: RENAL APLASIA; HEREDITARY RENAL APLASIA. Identifiers: Orphanet 411709, MedGen C1619700, MONDO:0024519, OMIM 191830.

Allele frequency attached by ClinVar (database versions not stated): 1000 Genomes Project 0.02995; gnomAD exomes 0.00855; ExAC 0.00993; gnomAD 0.02749; ESP Exome Variant Server 0.03406; 1000 Genomes Project 30x 0.03123; TOPMed 0.03201.
gnomAD v4.1: 9,731 of 1,613,594 alleles (0.6%); highest among the groups gnomAD compares: African/African-American, 9.9%; 425 homozygotes.

Submissions (29):

Labcorp Genetics (formerly Invitae), Labcorp
Classification: Benign for Multiple endocrine neoplasia, type 2. Last evaluated: 2026-02-04. Review status: criteria provided, single submitter. Criteria: Invitae Variant Classification Sherloc (09022015). Collection method: clinical testing. Allele origin: germline.

ARUP Laboratories, Molecular Genetics and Genomics, ARUP Laboratories
Classification: Benign. Last evaluated: 2025-05-06. Review status: criteria provided, single submitter. Criteria: ARUP Molecular Germline Variant Investigation Process 2024. Collection method: clinical testing. Allele origin: germline.

Center for Genomic Medicine, Rigshospitalet, Copenhagen University Hospital
Classification: Benign. Last evaluated: 2025-03-04. Review status: criteria provided, single submitter. Criteria: ACMG Guidelines, 2015. Collection method: clinical testing. Allele origin: germline.

KCCC/NGS Laboratory, Kuwait Cancer Control Center
Classification: Benign for Pheochromocytoma. Last evaluated: 2025-02-01. Review status: criteria provided, single submitter. Criteria: ACMG Guidelines, 2015. Collection method: clinical testing. Allele origin: germline. Affected: no.

Blueprint Genetics
Classification: Likely benign. Last evaluated: 2024-11-27. Review status: criteria provided, single submitter. Criteria: ACMG Guidelines, 2015. Collection method: clinical testing. Allele origin: germline.

Department of Pathology and Laboratory Medicine, Sinai Health System
Classification: Benign for multiple endocrine neoplasia type 2A. Last evaluated: 2023-08-28. Review status: criteria provided, single submitter. Criteria: ACMG Guidelines, 2015. Collection method: clinical testing. Allele origin: germline. Affected: yes.

KCCC/NGS Laboratory, Kuwait Cancer Control Center
Classification: Benign for Multiple endocrine neoplasia type 2B. Last evaluated: 2023-07-07. Review status: criteria provided, single submitter. Criteria: ACMG Guidelines, 2015. Collection method: clinical testing. Allele origin: germline. Affected: yes.

Color Diagnostics, LLC DBA Color Health
Classification: Benign for Multiple endocrine neoplasia, type 2. Last evaluated: 2022-09-20. Review status: criteria provided, single submitter. Criteria: ACMG Guidelines, 2015. Collection method: clinical testing. Allele origin: germline.

Fulgent Genetics
Classification: Benign for Hirschsprung disease, susceptibility to, 1; Familial medullary thyroid carcinoma; Multiple endocrine neoplasia type 2B; Pheochromocytoma; Multiple endocrine neoplasia type 2A. Last evaluated: 2021-11-04. Review status: criteria provided, single submitter. Criteria: ACMG Guidelines, 2015. Collection method: clinical testing. Allele origin: unknown.

Sema4
Classification: Benign for Hereditary cancer-predisposing syndrome. Last evaluated: 2020-03-21. Review status: criteria provided, single submitter. Criteria: Sema4 Curation Guidelines. Collection method: curation. Allele origin: germline.

Mayo Clinic Laboratories, Mayo Clinic
Classification: Benign. Last evaluated: 2019-12-09. Review status: criteria provided, single submitter. Criteria: ACMG Guidelines, 2015. Collection method: clinical testing. Allele origin: germline. Observed: 30 variant alleles.

Illumina Laboratory Services, Illumina
Classification: Likely benign for Renal hypodysplasia/aplasia 1. Last evaluated: 2018-01-23. Review status: criteria provided, single submitter. Criteria: ICSL Variant Classification Criteria 13 December 2019. Collection method: clinical testing. Allele origin: germline.
Comment: This variant was observed as part of a predisposition screen in an ostensibly healthy population. A literature search was performed for the gene, cDNA change, and amino acid change (where applicable). Publications were found based on this search. The evidence from the literature, in combination with allele frequency data from public databases where available, was sufficient to determine this variant is unlikely to cause disease. Therefore, this variant is classified as likely benign.

Illumina Laboratory Services, Illumina
Classification: Likely benign for Multiple endocrine neoplasia. Last evaluated: 2018-01-23. Review status: criteria provided, single submitter. Criteria: ICSL Variant Classification Criteria 13 December 2019. Collection method: clinical testing. Allele origin: germline.
Comment: This variant was observed as part of a predisposition screen in an ostensibly healthy population. A literature search was performed for the gene, cDNA change, and amino acid change (where applicable). No publications were found based on this search. Allele frequency data from public databases allowed determination this variant is unlikely to cause disease. Therefore, this variant is classified as likely benign.

Illumina Laboratory Services, Illumina
Classification: Likely benign for Hirschsprung disease, susceptibility to, 1. Last evaluated: 2018-01-23. Review status: criteria provided, single submitter. Criteria: ICSL Variant Classification Criteria 13 December 2019. Collection method: clinical testing. Allele origin: germline.
Comment: the same text as in the submission from Illumina Laboratory Services, Illumina above.

Illumina Laboratory Services, Illumina
Classification: Likely benign for Pheochromocytoma. Last evaluated: 2018-01-23. Review status: criteria provided, single submitter. Criteria: ICSL Variant Classification Criteria 13 December 2019. Collection method: clinical testing. Allele origin: germline.
Comment: the same text as in the submission from Illumina Laboratory Services, Illumina above.

Women's Health and Genetics/Laboratory Corporation of America, LabCorp
Classification: Benign. Last evaluated: 2017-10-26. Review status: criteria provided, single submitter. Criteria: LabCorp Variant Classification Summary - May 2015. Collection method: clinical testing. Allele origin: germline.
Comment: Variant summary: The RET c.1264-5C>T variant involves the alteration of a non-conserved intronic nucleotide and 5/5 splice prediction tools predict no significant impact on normal splicing. However, these predictions have yet to be confirmed by functional studies. This variant was found in 2867/275922 control chromosomes at a frequency of 0.0103906, which is approximately 42 times the estimated maximal expected allele frequency of a pathogenic RET variant (0.0002469), suggesting this variant is likely a benign polymorphism. In addition, multiple clinical diagnostic laboratories/reputable databases classified this variant as benign. Taken together, this variant is classified as benign.

Athena Diagnostics
Classification: Benign. Last evaluated: 2017-10-16. Review status: criteria provided, single submitter. Criteria: Athena Diagnostics Criteria. Collection method: clinical testing. Allele origin: germline.

Center for Pediatric Genomic Medicine, Children's Mercy Hospital and Clinics
Classification: Benign. Last evaluated: 2017-01-05. Review status: criteria provided, single submitter. Criteria: ACMG Guidelines, 2015. Collection method: clinical testing. Allele origin: germline.

Eurofins Ntd Llc (ga)
Classification: Benign. Last evaluated: 2016-02-11. Review status: criteria provided, single submitter. Criteria: EGL Classification Definitions 2015. Collection method: clinical testing. Allele origin: germline. Observed: 3 variant alleles, 3 heterozygotes.

Vantari Genetics
Classification: Benign for Hereditary cancer-predisposing syndrome. Last evaluated: 2016-01-22. Review status: criteria provided, single submitter. Criteria: ACMG Guidelines, 2015. Collection method: clinical testing. Allele origin: germline.

Ambry Genetics
Classification: Benign for Hereditary cancer-predisposing syndrome. Last evaluated: 2014-11-24. Review status: criteria provided, single submitter. Criteria: Ambry Variant Classification Scheme 2023. Collection method: clinical testing. Allele origin: germline.

Laboratory for Molecular Medicine, Mass General Brigham Personalized Medicine
Classification: Benign. Last evaluated: 2013-12-27. Review status: criteria provided, single submitter. Criteria: LMM Criteria. Collection method: clinical testing. Allele origin: germline. Observed: 4 variant alleles.

Breakthrough Genomics
Classification: Likely benign. Review status: criteria provided, single submitter. Criteria: ACMG Guidelines, 2015. Collection method: not provided. Allele origin: germline. Inheritance: Autosomal dominant inheritance. Affected: yes.

PreventionGenetics, part of Exact Sciences
Classification: Benign. Review status: criteria provided, single submitter. Criteria: ACMG Guidelines, 2015. Collection method: clinical testing. Allele origin: germline.

Counsyl
Classification: Benign for Multiple endocrine neoplasia type 2B. Last evaluated: 2016-03-23. Review status: no assertion criteria provided. Collection method: clinical testing. Allele origin: unknown. Not counted in ClinVar's aggregate classification.

Counsyl
Classification: Benign for Multiple endocrine neoplasia type 2A. Last evaluated: 2016-03-23. Review status: no assertion criteria provided. Collection method: clinical testing. Allele origin: unknown. Not counted in ClinVar's aggregate classification.

Genome Diagnostics Laboratory, Amsterdam University Medical Center
Classification: Benign. Review status: no assertion criteria provided. Collection method: clinical testing. Allele origin: germline. Affected: yes. Study: VKGL Data-share Consensus. Not counted in ClinVar's aggregate classification.

Genome Diagnostics Laboratory, University Medical Center Utrecht
Classification: Benign. Review status: no assertion criteria provided. Collection method: clinical testing. Allele origin: germline. Affected: yes. Study: VKGL Data-share Consensus. Not counted in ClinVar's aggregate classification.

Laboratory of Diagnostic Genome Analysis, Leiden University Medical Center (LUMC)
Classification: Likely benign. Review status: no assertion criteria provided. Collection method: clinical testing. Allele origin: germline. Affected: yes. Study: VKGL Data-share Consensus. Not counted in ClinVar's aggregate classification.

Literature cited by the submitters: PubMed 21490379 (cited by Illumina Laboratory Services, Illumina and Women's Health and Genetics/Laboratory Corporation of America, LabCorp); PubMed 7581377 (cited by 3 submitters); PubMed 27884173 (cited by Women's Health and Genetics/Laboratory Corporation of America, LabCorp); PubMed 11953745 (cited by Women's Health and Genetics/Laboratory Corporation of America, LabCorp).